The following is an entry in ClinVar:

ClinVar aggregate classification (germline): Conflicting classifications of pathogenicity. Review status: criteria provided, conflicting classifications (1 of 4 stars). 2 submissions from 2 submitters: Uncertain significance (1); Likely benign (1). Last evaluated 2023-03-23.

Conditions:
Hereditary cancer-predisposing syndrome. Also called: Tumor predisposition; Hereditary Cancer Syndrome; Neoplastic Syndromes, Hereditary; Hereditary neoplastic syndrome. Identifiers: Orphanet 140162, MedGen C0027672, MeSH D009386, MONDO:0015356.

Submissions (2):

University of Washington Department of Laboratory Medicine, University of Washington
Classification: Likely benign for Hereditary cancer-predisposing syndrome. Last evaluated: 2023-03-23. Review status: criteria provided, single submitter. Criteria: Dines et al. (Genet Med. 2020). Collection method: curation. Allele origin: germline.
Comment: Missense variant in a coldspot region where missense variants are very unlikely to be pathogenic (PMID:31911673).

BRCA2 exon 11 coldspot. Reclassification based on statistical prior probability.

Women's Health and Genetics/Laboratory Corporation of America, LabCorp
Classification: Uncertain significance. Last evaluated: 2021-12-16. Review status: criteria provided, single submitter. Criteria: LabCorp Variant Classification Summary - May 2015. Collection method: clinical testing. Allele origin: germline.

NM_000059.4(BRCA2):c.3193A>T (p.Ile1065Phe)

Gene: BRCA2 (BRCA2 DNA repair associated; plus strand). Cytogenetic location: 13q13.1.
Variant type: single nucleotide variant.
Coding change: c.3193A>T on transcript NM_000059.4 (MANE Select); coding-DNA position 3193, A replaced by T.
Protein change: p.Ile1065Phe; replaces isoleucine 1065 with phenylalanine.
Molecular consequence: missense variant.
Genome position (GRCh38, 1-based): chr13:32,337,548, A>T. VCF-style: chr13-32337548-A-T. GRCh37 (hg19) VCF-style: chr13-32911685-A-T.
Other names: short protein forms I1065F.
Identifiers: ClinVar variation 1331421 (VCV001331421.3), dbSNP rs2137494162, ClinGen allele CA387775849.